The following is an entry in ClinVar:

ClinVar aggregate classification (germline): Uncertain significance. Review status: criteria provided, multiple submitters, no conflicts (2 of 4 stars). 2 submissions from 2 submitters: Uncertain significance (2). Last evaluated 2022-06-04.

Conditions:
Inborn genetic diseases. Identifiers: MedGen C0950123, MeSH D030342.

Allele frequency attached by ClinVar (database versions not stated): TOPMed 0.00002; gnomAD exomes 0.00003; gnomAD 0.00004; ExAC 0.00008.
gnomAD v4.1: 56 of 1,604,408 alleles (0.0035%); highest among the groups gnomAD compares: South Asian, 0.032%; 1 homozygote.

Submissions (2):

Labcorp Genetics (formerly Invitae), Labcorp
Classification: Uncertain significance. Last evaluated: 2022-06-04. Review status: criteria provided, single submitter. Criteria: Invitae Variant Classification Sherloc (09022015). Collection method: clinical testing. Allele origin: germline.
Comment: This sequence change replaces arginine, which is basic and polar, with tryptophan, which is neutral and slightly polar, at codon 618 of the LAMA5 protein (p.Arg618Trp). This variant is present in population databases (rs575898932, gnomAD 0.02%). This variant has not been reported in the literature in individuals affected with LAMA5-related conditions. Algorithms developed to predict the effect of missense changes on protein structure and function (SIFT, PolyPhen-2, Align-GVGD) all suggest that this variant is likely to be disruptive. In summary, the available evidence is currently insufficient to determine the role of this variant in disease. Therefore, it has been classified as a Variant of Uncertain Significance.

Ambry Genetics
Classification: Uncertain significance for Inborn genetic diseases. Last evaluated: 2021-09-17. Review status: criteria provided, single submitter. Criteria: Ambry Variant Classification Scheme 2023. Collection method: clinical testing. Allele origin: germline.

NM_005560.6(LAMA5):c.1852C>T (p.Arg618Trp)

Gene: LAMA5 (laminin subunit alpha 5; minus strand). Cytogenetic location: 20q13.33.
Variant type: single nucleotide variant.
Coding change: c.1852C>T on transcript NM_005560.6 (MANE Select); coding-DNA position 1852, C replaced by T.
Protein change: p.Arg618Trp; replaces arginine 618 with tryptophan.
Molecular consequence: missense variant.
Genome position (GRCh38, 1-based): chr20:62,338,055, G>A on the plus strand (C>T on the coding strand, the complement: LAMA5 is on the minus strand). VCF-style: chr20-62338055-G-A. GRCh37 (hg19) VCF-style: chr20-60913111-G-A.
Other names: short protein forms R618W.
Identifiers: ClinVar variation 1898230 (VCV001898230.6), dbSNP rs575898932, ClinGen allele CA9943732.
Genomic context (GRCh38, chr20:62,338,055, plus strand): 5'-CTGCCCTGACCCTCTGCTCACCTTGGCAGTTGGGGAAACCATGGTAGCCAGGGCGGCACC[G>A]GTCACAATGAGGTCCAGCAAACTCAGGCTGGCATAGGCAGCGGCCGGCCTCATCGCAGCC-3'
Protein context (NP_005551.3, residues 608-628): QPEFAGPHCD[Arg618Trp]CRPGYHGFPN